The following is an entry in ClinVar:

ClinVar aggregate classification (germline): Uncertain significance. Review status: criteria provided, multiple submitters, no conflicts (2 of 4 stars). 2 submissions from 2 submitters: Uncertain significance (2). Last evaluated 2025-11-03.

Conditions:
Inborn genetic diseases. Identifiers: MedGen C0950123, MeSH D030342.
Charcot-Marie-Tooth disease type 4. Also called: Charcot-Marie-Tooth disease, type IV; Charcot-Marie-Tooth, Type 4. Identifiers: Orphanet 64749, MedGen C4082197, MONDO:0018995.

Allele frequency attached by ClinVar (database versions not stated): ExAC 0.00001; gnomAD exomes 0.00001; TOPMed 0.00001.
gnomAD v4.1: 33 of 1,613,796 alleles (0.002%); highest among the groups gnomAD compares: Non-Finnish European, 0.0028%; no homozygotes.

Submissions (2):

Ambry Genetics
Classification: Uncertain significance for Inborn genetic diseases. Last evaluated: 2025-11-03. Review status: criteria provided, single submitter. Criteria: Ambry Variant Classification Scheme 2023. Collection method: clinical testing. Allele origin: germline.

Labcorp Genetics (formerly Invitae), Labcorp
Classification: Uncertain significance for Charcot-Marie-Tooth disease type 4. Last evaluated: 2021-09-01. Review status: criteria provided, single submitter. Criteria: Invitae Variant Classification Sherloc (09022015). Collection method: clinical testing. Allele origin: germline.
Comment: This sequence change replaces glutamic acid with glycine at codon 66 of the MTMR2 protein (p.Glu66Gly). The glutamic acid residue is moderately conserved and there is a moderate physicochemical difference between glutamic acid and glycine. This variant is present in population databases (rs756405288, ExAC 0.002%). This variant has not been reported in the literature in individuals affected with MTMR2-related conditions. Algorithms developed to predict the effect of missense changes on protein structure and function are either unavailable or do not agree on the potential impact of this missense change (SIFT: "Deleterious"; PolyPhen-2: "Benign"; Align-GVGD: "Class C0"). In summary, the available evidence is currently insufficient to determine the role of this variant in disease. Therefore, it has been classified as a Variant of Uncertain Significance.

NM_016156.6(MTMR2):c.197A>G (p.Glu66Gly)

Gene: MTMR2 (myotubularin related protein 2; minus strand). Cytogenetic location: 11q21.
Variant type: single nucleotide variant.
Coding change: c.197A>G on transcript NM_016156.6 (MANE Select); coding-DNA position 197, A replaced by G.
Protein change: p.Glu66Gly; replaces glutamic acid 66 with glycine.
Molecular consequence: missense variant. On other transcripts: 5 prime UTR variant (3).
Genome position (GRCh38, 1-based): chr11:95,865,666, T>C on the plus strand (A>G on the coding strand, the complement: MTMR2 is on the minus strand). VCF-style: chr11-95865666-T-C. GRCh37 (hg19) VCF-style: chr11-95598830-T-C.
Other names: c.-20A>G (NM_001243571.2, NM_201278.3, NM_201281.3); short protein forms E66G.
Identifiers: ClinVar variation 651156 (VCV000651156.7), dbSNP rs756405288, ClinGen allele CA6240425.
Genomic context (GRCh38, chr11:95,865,666, plus strand): 5'-TCTTTAATATTTTCTCCTGGAAGCAAGGGTGGTTCTTCCATTTCTGCTAACTTGTTAGAC[T>C]CCCTCAGGACCTGGGGTGGGAAAGACAAAAAAAGAAACATTTTTTTATTCAAAGGCTACT-3'
Protein context (NP_057240.3, residues 56-76): NFSPDLRVLR[Glu66Gly]SNKLAEMEEP